The following is an entry in ClinVar:

ClinVar aggregate classification (germline): Uncertain significance. Review status: criteria provided, single submitter (1 of 4 stars). 2 submissions from 2 submitters: Uncertain significance (1). 1 of the submissions does not count toward it. Last evaluated 2022-06-27.

Conditions:
Metaphyseal chondrodysplasia, McKusick type (CHH). Also called: Cartilage-Hair Hypoplasia (CHH); Cartilage-hair hypoplasia. Identifiers: Orphanet 175, MedGen C0220748, MONDO:0009595, OMIM 250250.
Anauxetic dysplasia. Identifiers: Orphanet 93347, MedGen C1846796, MONDO:0011773.

Allele frequency attached by ClinVar (database versions not stated): TOPMed 0.00003.

Submissions (2):

Labcorp Genetics (formerly Invitae), Labcorp
Classification: Uncertain significance for Anauxetic dysplasia. Last evaluated: 2022-06-27. Review status: criteria provided, single submitter. Criteria: Invitae Variant Classification Sherloc (09022015). Collection method: clinical testing. Allele origin: germline.
Comment: This variant occurs in the RMRP gene, which encodes an RNA molecule that does not result in a protein product. This variant is present in population databases (rs529852688, gnomAD 0.005%). This variant has not been reported in the literature in individuals affected with RMRP-related conditions. ClinVar contains an entry for this variant (Variation ID: 659956). Experimental studies and prediction algorithms are not available or were not evaluated, and the functional significance of this variant is currently unknown. In summary, the available evidence is currently insufficient to determine the role of this variant in disease. Therefore, it has been classified as a Variant of Uncertain Significance.

Natera, Inc.
Classification: Uncertain significance for Cartilage-hair hypoplasia. Last evaluated: 2020-01-24. Review status: no assertion criteria provided. Collection method: clinical testing. Allele origin: germline. Not counted in ClinVar's aggregate classification.

NC_000009.12:g.35658042T>A

Gene: RMRP (RNA component of mitochondrial RNA processing endoribonuclease; minus strand). Cytogenetic location: 9p13.3.
Variant type: single nucleotide variant.
Genome position: GRCh38 VCF-style: chr9-35658042-T-A. GRCh37 (hg19) VCF-style: chr9-35658039-T-A.
Identifiers: ClinVar variation 659956 (VCV000659956.5), dbSNP rs529852688, ClinGen allele CA192745781.